The following is an entry in ClinVar:

NM_182961.4(SYNE1):c.15978A>C (p.Glu5326Asp)

Gene: SYNE1 (spectrin repeat containing nuclear envelope protein 1; minus strand). Cytogenetic location: 6q25.2.
Variant type: single nucleotide variant.
Coding change: c.15978A>C on transcript NM_182961.4 (MANE Select); coding-DNA position 15978, A replaced by C.
Protein change: p.Glu5326Asp; replaces glutamic acid 5326 with aspartic acid.
Molecular consequence: missense variant.
Genome position (GRCh38, 1-based): chr6:152,321,826, T>G on the plus strand (A>C on the coding strand, the complement: SYNE1 is on the minus strand). VCF-style: chr6-152321826-T-G. GRCh37 (hg19) VCF-style: chr6-152642961-T-G.
Other names: c.15765A>C, p.Glu5255Asp (NM_033071.5); short protein forms E5255D, E5326D.
Identifiers: ClinVar variation 1035184 (VCV001035184.8), dbSNP rs2095874810, ClinGen allele CA366119028.

ClinVar aggregate classification (germline): Uncertain significance (1 of 4 stars; one submission).

Conditions:
Emery-Dreifuss muscular dystrophy 4, autosomal dominant (EDMD4). Also called: EMERY-DREIFUSS MUSCULAR DYSTROPHY 4 WITH VARIABLE FEATURES. Identifiers: Orphanet 261, MedGen C2751807, MONDO:0013071, OMIM 612998.
Autosomal recessive ataxia, Beauce type. Also called: Spinocerebellar ataxia, autosomal recessive 8; ATAXIA, RECESSIVE, OF BEAUCE; SYNE1 Deficiency; SYNE1-Related Autosomal Recessive Cerebellar Ataxia. Identifiers: Orphanet 88644, MedGen C1853116, MONDO:0012549, OMIM 610743.

Submission:

Labcorp Genetics (formerly Invitae), Labcorp
Classification: Uncertain significance for Emery-Dreifuss muscular dystrophy 4, autosomal dominant; Autosomal recessive ataxia, Beauce type. Last evaluated: 2020-03-11. Review status: criteria provided, single submitter. Criteria: Invitae Variant Classification Sherloc (09022015). Collection method: clinical testing. Allele origin: germline.
Comment: Algorithms developed to predict the effect of missense changes on protein structure and function output the following: SIFT: "Deleterious"; PolyPhen-2: "Benign"; Align-GVGD: "Class C35". The aspartic acid amino acid residue is found in multiple mammalian species, suggesting that this missense change does not adversely affect protein function. These predictions have not been confirmed by published functional studies and their clinical significance is uncertain. This variant has not been reported in the literature in individuals with SYNE1-related conditions. This variant is not present in population databases (ExAC no frequency). This sequence change replaces glutamic acid with aspartic acid at codon 5255 of the SYNE1 protein (p.Glu5255Asp). The glutamic acid residue is highly conserved and there is a small physicochemical difference between glutamic acid and aspartic acid. In summary, the available evidence is currently insufficient to determine the role of this variant in disease. Therefore, it has been classified as a Variant of Uncertain Significance.